The following is an entry in ClinVar:

NM_001684.5(ATP2B4):c.20G>A (p.Arg7His)

Gene: ATP2B4 (ATPase plasma membrane Ca2+ transporting 4; plus strand). Cytogenetic location: 1q32.1.
Variant type: single nucleotide variant.
Coding change: c.20G>A on transcript NM_001684.5 (MANE Select); coding-DNA position 20, G replaced by A.
Protein change: p.Arg7His; replaces arginine 7 with histidine.
Molecular consequence: missense variant.
Genome position (GRCh38, 1-based): chr1:203,683,225, G>A. VCF-style: chr1-203683225-G-A. GRCh37 (hg19) VCF-style: chr1-203652353-G-A.
Other names: c.20G>A, p.Arg7His (NM_001001396.3, NM_001365783.2, NM_001365784.2); c.20G>A (NM_001684.4); short protein forms R7H.
Identifiers: ClinVar variation 1505093 (VCV001505093.7), dbSNP rs375107873, ClinGen allele CA1341281.

ClinVar aggregate classification (germline): Conflicting classifications of pathogenicity. Review status: criteria provided, conflicting classifications (1 of 4 stars). 2 submissions from 2 submitters: Uncertain significance (1); Likely benign (1). Last evaluated 2025-04-11.

Allele frequency attached by ClinVar (database versions not stated): gnomAD exomes 0.00001 and 0.00002; ExAC 0.00003; ESP Exome Variant Server 0.00008.
gnomAD v4.1: 39 of 1,614,014 alleles (0.0024%); highest among the groups gnomAD compares: East Asian, 0.011%; no homozygotes.

Submissions (2):

Ambry Genetics
Classification: Likely benign. Last evaluated: 2025-04-11. Review status: criteria provided, single submitter. Criteria: Ambry Variant Classification Scheme 2023. Collection method: clinical testing. Allele origin: germline.

Labcorp Genetics (formerly Invitae), Labcorp
Classification: Uncertain significance. Last evaluated: 2022-08-09. Review status: criteria provided, single submitter. Criteria: Invitae Variant Classification Sherloc (09022015). Collection method: clinical testing. Allele origin: germline.
Comment: Algorithms developed to predict the effect of missense changes on protein structure and function output the following: SIFT: "Tolerated"; PolyPhen-2: "Benign"; Align-GVGD: "Class C0". The histidine amino acid residue is found in multiple mammalian species, which suggests that this missense change does not adversely affect protein function. In summary, the available evidence is currently insufficient to determine the role of this variant in disease. Therefore, it has been classified as a Variant of Uncertain Significance. ClinVar contains an entry for this variant (Variation ID: 1505093). This variant has not been reported in the literature in individuals affected with ATP2B4-related conditions. This variant is present in population databases (rs375107873, gnomAD 0.01%). This sequence change replaces arginine, which is basic and polar, with histidine, which is basic and polar, at codon 7 of the ATP2B4 protein (p.Arg7His).